The following is an entry in ClinVar:

ClinVar aggregate classification (germline): Conflicting classifications of pathogenicity. Review status: criteria provided, conflicting classifications (1 of 4 stars). 10 submissions from 10 submitters: Uncertain significance (6); Likely benign (2). 2 of the submissions do not count toward it. Last evaluated 2026-01-14.

Conditions:
Familial Mediterranean fever (FMF). Also called: POLYSEROSITIS, FAMILIAL PAROXYSMAL; POLYSEROSITIS, RECURRENT; Periodic peritonitis; Benign paroxysmal peritonitis. Identifiers: Orphanet 342, MedGen C0031069, MONDO:0018088, OMIM 249100. Disease mechanism: gain of function.
Familial Mediterranean fever, autosomal dominant. Also called: Dominant Familial Mediterranean Fever; FMF, AUTOSOMAL DOMINANT. Identifiers: Orphanet 342, MedGen C1851347, MONDO:0007601, OMIM 134610.
Acute febrile neutrophilic dermatosis (AFND). Also called: Gomm Button disease; Sweet Syndrome. Identifiers: Orphanet 3243, MedGen C0085077, MONDO:0011959, OMIM 608068.
Autoinflammatory syndrome. Identifiers: Orphanet 93665, MedGen C3890737, MONDO:0019751.
MEFV-related disorder. Also called: MEFV-related disorders; MEFV-related condition.

Allele frequency attached by ClinVar (database versions not stated): TOPMed 0.00004; 1000 Genomes Project 30x 0.00031; 1000 Genomes Project 0.00040.
gnomAD v4.1: 292 of 1,612,828 alleles (0.018%); highest among the groups gnomAD compares: South Asian, 0.3%; 1 homozygote.

Submissions (10):

Labcorp Genetics (formerly Invitae), Labcorp
Classification: Likely benign for Familial Mediterranean fever. Last evaluated: 2026-01-14. Review status: criteria provided, single submitter. Criteria: Invitae Variant Classification Sherloc (09022015). Collection method: clinical testing. Allele origin: germline.

PreventionGenetics, part of Exact Sciences
Classification: Uncertain significance for MEFV-related condition. Last evaluated: 2025-11-25. Review status: criteria provided, single submitter. Criteria: ACMG Guidelines, 2015. Collection method: clinical testing. Allele origin: germline.
Comment: The MEFV c.343C>A variant is predicted to result in the amino acid substitution p.Pro115Thr. This variant has been reported in a cohort study of individuals with familial Mediterranean fever, however additional details regarding its pathogenicity were not provided (Ebadi et al. 2017. PubMed ID: 28943464; Martorana et al. 2017. PubMed ID: 28421071). This variant is reported in 0.32% of alleles in individuals of South Asian descent in gnomAD, which may be too common to be causative. Although we suspect that this variant may be benign, at this time, the clinical significance of this variant is uncertain due to the absence of conclusive functional and genetic evidence.

ARUP Laboratories, Molecular Genetics and Genomics, ARUP Laboratories
Classification: Uncertain significance. Last evaluated: 2024-05-14. Review status: criteria provided, single submitter. Criteria: ARUP Molecular Germline Variant Investigation Process 2024. Collection method: clinical testing. Allele origin: germline.
Comment: The MEFV c.343C>A; p.Pro115Thr variant (rs147557169), is reported in the literature in individuals affected with familial Mediterranean fever (Ebadi 2017, Nemat Farahzadi 2019). This variant is also reported in ClinVar (Variation ID: 96982) and is found in the South Asian population with an allele frequency of 0.3171% (97/30,586 alleles) in the Genome Aggregation Database (v2.1.1). Computational analyses are uncertain whether this variant is neutral or deleterious (REVEL: 0.169). Due to limited information, the clinical significance of the p.Pro115Thr variant is uncertain at this time. References: Ebadi N et al. The spectrum of Familial Mediterranean Fever gene (MEFV) mutations and genotypes in Iran, and report of a novel missense variant (R204H). Eur J Med Genet. 2017 Dec;60(12):701-705. PMID: 28943464. Nemat Farahzadi H et al. Spectrum of Mutations of Familial Mediterranean Fever Gene by Whole Sequencing Method in Iranian Patients. J Human Gen Genom. 2019;3(2):e111252

Fulgent Genetics
Classification: Likely benign for Familial Mediterranean fever, autosomal dominant; Familial Mediterranean fever; Acute febrile neutrophilic dermatosis. Last evaluated: 2024-03-19. Review status: criteria provided, single submitter. Criteria: ACMG Guidelines, 2015. Collection method: clinical testing. Allele origin: germline.

Women's Health and Genetics/Laboratory Corporation of America, LabCorp
Classification: Uncertain significance. Last evaluated: 2022-07-28. Review status: criteria provided, single submitter. Criteria: LabCorp Variant Classification Summary - May 2015. Collection method: clinical testing. Allele origin: germline.
Comment: Variant summary: MEFV c.343C>A (p.Pro115Thr) results in a non-conservative amino acid change in the encoded protein sequence. Four of five in-silico tools predict a benign effect of the variant on protein function. The variant allele was found at a frequency of 0.0004 in 247544 control chromosomes (gnomAD). This frequency is not significantly higher than expected for a pathogenic variant in MEFV causing Familial Mediterranean Fever (0.0004 vs 0.022), allowing no conclusion about variant significance. The variant, c.343C>A, has been reported in the literature in individuals affected with Familial Mediterranean Fever (example, Ebadi_2017). This report however, does not provide unequivocal conclusions about association of the variant with Familial Mediterranean Fever. To our knowledge, no experimental evidence demonstrating an impact on protein function has been reported. Five submitters have provided clinical-significance assessments for this variant to ClinVar after 2014 without evidence for independent evaluation and classified this variant as uncertain significance (n=4) (VUS, n=1). Based on the evidence outlined above, the variant was classified as uncertain significance.

Genome Diagnostics Laboratory, The Hospital for Sick Children
Classification: Uncertain significance for Autoinflammatory syndrome. Last evaluated: 2021-10-09. Review status: criteria provided, single submitter. Criteria: ACMG Guidelines, 2015. Collection method: clinical testing. Allele origin: germline. Affected: yes.

GeneDx
Classification: Uncertain significance. Last evaluated: 2021-09-23. Review status: criteria provided, single submitter. Criteria: GeneDx Variant Classification Process June 2021. Collection method: clinical testing. Allele origin: germline. Affected: yes.
Comment: Observed heterozygous in a patient with familial Mediterranean fever in published literature; however, specific patient information was not provided (Ebadi N et al., 2017); In silico analysis supports that this missense variant does not alter protein structure/function; This variant is associated with the following publications: (PMID: 28421071, 28943464)

Illumina Laboratory Services, Illumina
Classification: Uncertain significance for Familial Mediterranean fever. Last evaluated: 2018-01-13. Review status: criteria provided, single submitter. Criteria: ICSL Variant Classification Criteria 13 December 2019. Collection method: clinical testing. Allele origin: germline.

Natera, Inc.
Classification: Uncertain significance for Familial Mediterranean fever. Last evaluated: 2020-09-16. Review status: no assertion criteria provided. Collection method: clinical testing. Allele origin: germline. Not counted in ClinVar's aggregate classification.

Medical Biology Lab,  Gaziantep University
No classification provided. Condition: Familial Mediterranean fever. Review status: no classification provided. Collection method: not provided. Allele origin: somatic. Not counted in ClinVar's aggregate classification.

Literature cited by the submitters: PubMed 28421071 (cited by Women's Health and Genetics/Laboratory Corporation of America, LabCorp); PubMed 28943464 (cited by Women's Health and Genetics/Laboratory Corporation of America, LabCorp).

NM_000243.3(MEFV):c.343C>A (p.Pro115Thr)

Gene: MEFV (MEFV innate immunity regulator, pyrin; minus strand). Cytogenetic location: 16p13.3.
Variant type: single nucleotide variant.
Coding change: c.343C>A on transcript NM_000243.3 (MANE Select); coding-DNA position 343, C replaced by A.
Protein change: p.Pro115Thr; replaces proline 115 with threonine.
Molecular consequence: missense variant. On other transcripts: intron variant (1).
Genome position (GRCh38, 1-based): chr16:3,254,725, G>T on the plus strand (C>A on the coding strand, the complement: MEFV is on the minus strand). VCF-style: chr16-3254725-G-T. GRCh37 (hg19) VCF-style: chr16-3304725-G-T.
Other names: c.277+1586C>A (NM_001198536.2); short protein forms P115T.
Identifiers: ClinVar variation 96982 (VCV000096982.25), dbSNP rs147557169, ClinGen allele CA280349.